The following is an entry in ClinVar:

ClinVar aggregate classification (germline): Pathogenic (1 of 4 stars; one submission).

Conditions:
Glycine encephalopathy. Also called: Nonketotic hyperglycinemia; Non-ketotic hyperglycinemia. Identifiers: Orphanet 407, MedGen C0751748, MONDO:0011612, HP:0008288.

Submission:

Labcorp Genetics (formerly Invitae), Labcorp
Classification: Pathogenic for Glycine encephalopathy. Last evaluated: 2021-10-25. Review status: criteria provided, single submitter. Criteria: Invitae Variant Classification Sherloc (09022015). Collection method: clinical testing. Allele origin: germline.
Comment: This variant is a gross deletion of the genomic region encompassing exon(s) 3-22 of the GLDC gene. This deletion is expected to create a premature termination codon and result in an absent or disrupted protein product. Loss-of-function variants in GLDC are known to be pathogenic (PMID: 16601880). A similar copy number variant has been observed in individual(s) with glycine encephalopathy (PMID: 17361008). For these reasons, this variant has been classified as Pathogenic.

Literature cited by the submitters: PubMed 16601880; PubMed 17361008.

NC_000009.11:g.(?_6540041)_(6620329_?)del

Gene: GLDC (glycine decarboxylase; minus strand). Cytogenetic location: 9p24.1.
Variant type: Deletion.
Identifiers: ClinVar variation 2422517 (VCV002422517.7).